The following is an entry in ClinVar:

ClinVar aggregate classification (germline): Uncertain significance (1 of 4 stars; one submission).

Allele frequency attached by ClinVar (database versions not stated): gnomAD exomes below 0.00001.
gnomAD v4.1: 1 of 1,612,012 alleles (0.000062%); highest among the groups gnomAD compares: East Asian, 0.0022%; no homozygotes.

Submission:

Labcorp Genetics (formerly Invitae), Labcorp
Classification: Uncertain significance. Last evaluated: 2024-12-09. Review status: criteria provided, single submitter. Criteria: Invitae Variant Classification Sherloc (09022015). Collection method: clinical testing. Allele origin: germline.
Comment: This sequence change falls in intron 19 of the RAB3GAP1 gene. It does not directly change the encoded amino acid sequence of the RAB3GAP1 protein. It affects a nucleotide within the consensus splice site. This variant is not present in population databases (gnomAD no frequency). This variant has not been reported in the literature in individuals affected with RAB3GAP1-related conditions. ClinVar contains an entry for this variant (Variation ID: 1992693). Variants that disrupt the consensus splice site are a relatively common cause of aberrant splicing (PMID: 17576681, 9536098). Algorithms developed to predict the effect of sequence changes on RNA splicing suggest that this variant is not likely to affect RNA splicing. In summary, the available evidence is currently insufficient to determine the role of this variant in disease. Therefore, it has been classified as a Variant of Uncertain Significance.

Literature cited by the submitters: PubMed 17576681; PubMed 9536098.

NM_012233.3(RAB3GAP1):c.2289+4A>G

Gene: RAB3GAP1 (RAB3 GTPase activating protein catalytic subunit 1; plus strand). Cytogenetic location: 2q21.3.
Variant type: single nucleotide variant.
Coding change: c.2289+4A>G on transcript NM_012233.3 (MANE Select); 4 bases into the intron after coding-DNA position 2289, A replaced by G.
Molecular consequence: intron variant.
Genome position (GRCh38, 1-based): chr2:135,153,880, A>G. VCF-style: chr2-135153880-A-G. GRCh37 (hg19) VCF-style: chr2-135911450-A-G.
Other names: c.2289+4A>G (NM_001172435.2).
Identifiers: ClinVar variation 1992693 (VCV001992693.4), dbSNP rs2468263142, ClinGen allele CA2580063817.